The following is an entry in ClinVar:

ClinVar aggregate classification (germline): Likely benign. Review status: criteria provided, multiple submitters, no conflicts (2 of 4 stars). 2 submissions from 2 submitters: Likely benign (2). Last evaluated 2025-06-01.

Allele frequency attached by ClinVar (database versions not stated): TOPMed 0.00014; gnomAD 0.00023; ExAC 0.00082; 1000 Genomes Project 30x 0.00094; 1000 Genomes Project 0.00100; ESP Exome Variant Server 0.00008.
gnomAD v4.1: 699 of 1,614,100 alleles (0.043%); highest among the groups gnomAD compares: South Asian, 0.47%; 6 homozygotes.

Submissions (2):

CeGaT Center for Human Genetics Tuebingen
Classification: Likely benign. Last evaluated: 2025-06-01. Review status: criteria provided, single submitter. Criteria: CeGaT Center For Human Genetics Tuebingen Variant Classification Criteria Version 2. Collection method: clinical testing. Allele origin: germline. Affected: yes. Observed: 2 variant alleles.
Comment: CDH11: BP4, BP7

Blueprint Genetics
Classification: Likely benign. Last evaluated: 2024-11-27. Review status: criteria provided, single submitter. Criteria: ACMG Guidelines, 2015. Collection method: clinical testing. Allele origin: germline.

NM_001797.4(CDH11):c.2133G>A (p.Ala711=)

Gene: CDH11 (cadherin 11; minus strand). Cytogenetic location: 16q21.
Variant type: single nucleotide variant.
Coding change: c.2133G>A on transcript NM_001797.4 (MANE Select); coding-DNA position 2133, G replaced by A.
Protein change: p.Ala711=; no amino-acid change (alanine 711 retained).
Molecular consequence: synonymous variant. On other transcripts: 3 prime UTR variant (1).
Genome position (GRCh38, 1-based): chr16:64,947,861, C>T on the plus strand (G>A on the coding strand, the complement: CDH11 is on the minus strand). VCF-style: chr16-64947861-C-T. GRCh37 (hg19) VCF-style: chr16-64981764-C-T.
Other names: c.*230G>A (NM_001308392.2); c.1755G>A, p.Ala585= (NM_001330576.2).
Identifiers: ClinVar variation 2646587 (VCV002646587.25), dbSNP rs200766127, ClinGen allele CA8091856.